The following is an entry in ClinVar:

NM_005068.3(SIM1):c.1438G>A (p.Gly480Arg)

Genes: SIM1 (SIM bHLH transcription factor 1; minus strand), SIM1-AS1 (SIM1 antisense RNA 1; plus strand). Cytogenetic location: 6q16.3.
Variant type: single nucleotide variant.
Coding change: c.1438G>A on transcript NM_005068.3 (MANE Select); coding-DNA position 1438, G replaced by A.
Protein change: p.Gly480Arg; replaces glycine 480 with arginine.
Molecular consequence: missense variant. On other transcripts: non-coding transcript variant (1).
Genome position (GRCh38, 1-based): chr6:100,393,619, C>T on the plus strand (G>A on the coding strand, the complement: SIM1 is on the minus strand). VCF-style: chr6-100393619-C-T. GRCh37 (hg19) VCF-style: chr6-100841495-C-T.
Other names: c.1438G>A, p.Gly480Arg (NM_001374769.1); short protein forms G480R.
Identifiers: ClinVar variation 3355469 (VCV003355469.1).
Genomic context (GRCh38, chr6:100,393,619, plus strand): 5'-TTGTCAGGGGCAAGGCTGCGCGAGAGCCCCACCAGGGCTCCCTCCCGGCCTGCGGCGTTC[C>T]CAGGAAGTACCTGCCTGCCTCACATCGGCCTCCTTCACAGGCCTGGGTATGGAAATGCCT-3'
Protein context (NP_005059.2, residues 470-490): GRCEAGRYFL[Gly480Arg]TPQAGREPWW

ClinVar aggregate classification (germline): Uncertain significance (0 of 4 stars; one submission).

Conditions:
SIM1-related disorder. Also called: SIM1-related condition; SIM1-related disorders.

gnomAD v4.1: 9 of 1,614,144 alleles (0.00056%); highest among the groups gnomAD compares: Non-Finnish European, 0.00076%; no homozygotes.

Submission:

PreventionGenetics, part of Exact Sciences
Classification: Uncertain significance for SIM1-related condition. Last evaluated: 2023-12-07. Review status: no assertion criteria provided. Collection method: clinical testing. Allele origin: germline.
Comment: The SIM1 c.1438G>A variant is predicted to result in the amino acid substitution p.Gly480Arg. To our knowledge, this variant has not been reported in the literature. This variant is reported in 0.0026% of alleles in individuals of European (Non-Finnish) descent in gnomAD. At this time, the clinical significance of this variant is uncertain due to the absence of conclusive functional and genetic evidence.